The following is an entry in ClinVar:

NM_001123385.2(BCOR):c.4778_4780del (p.Asp1593del)

Gene: BCOR (BCL6 corepressor; minus strand). Cytogenetic location: Xp11.4.
Variant type: Deletion.
Coding change: c.4778_4780del on transcript NM_001123385.2 (MANE Select); coding-DNA positions 4778 to 4780, 3 bases deleted (ACG; older notation c.4778_4780delACG).
Protein change: p.Asp1593del; deletes aspartic acid 1593.
Molecular consequence: inframe deletion. On other transcripts: inframe indel (1).
Genome position (GRCh38, 1-based): chrX:40,054,295-40,054,297, CGT deleted on the plus strand (ACG on the coding strand, the reverse complement: BCOR is on the minus strand); deleting any 3 consecutive bases within chrX:40,054,295-40,054,298 gives the same sequence; the c. name uses the placement nearest the transcript's 3' end. VCF-style (leftmost placement, unchanged base first): chrX-40054294-GCGT-G. GRCh37 (hg19) VCF-style: chrX-39913547-GCGT-G.
Other names: c.4675_4677delGAC, p.Asp1559del (NM_001123383.2); c.4622_4624del, p.Asp1541del (NM_001123384.2); c.4676_4678del, p.Asp1559del (NM_017745.6); short protein forms D1559del, D1541del, D1593del.
Identifiers: ClinVar variation 1810529 (VCV001810529.1), dbSNP rs2519299860, ClinGen allele CA2580101059.

ClinVar aggregate classification (germline): Uncertain significance (1 of 4 stars; one submission).

Submission:

GeneDx
Classification: Uncertain significance. Last evaluated: 2022-07-05. Review status: criteria provided, single submitter. Criteria: GeneDx Variant Classification Process June 2021. Collection method: clinical testing. Allele origin: germline. Affected: yes.
Comment: Not observed at significant frequency in large population cohorts (gnomAD); In-frame deletion of 1 amino acid in a non-repeat region; In silico analysis supports a deleterious effect on protein structure/function; Has not been previously published as pathogenic or benign to our knowledge